The following is an entry in ClinVar:

ClinVar aggregate classification (germline): Uncertain significance. Review status: criteria provided, multiple submitters, no conflicts (2 of 4 stars). 2 submissions from 2 submitters: Uncertain significance (2). Last evaluated 2025-08-26.

Conditions:
Inborn genetic diseases. Identifiers: MedGen C0950123, MeSH D030342.

gnomAD v4.1: 4 of 1,577,388 alleles (0.00025%); highest among the groups gnomAD compares: Non-Finnish European, 0.00034%; no homozygotes.

Submissions (2):

Ambry Genetics
Classification: Uncertain significance for Inborn genetic diseases. Last evaluated: 2025-08-26. Review status: criteria provided, single submitter. Criteria: Ambry Variant Classification Scheme 2023. Collection method: clinical testing. Allele origin: germline.

Labcorp Genetics (formerly Invitae), Labcorp
Classification: Uncertain significance. Last evaluated: 2025-07-16. Review status: criteria provided, single submitter. Criteria: Invitae Variant Classification Sherloc (09022015). Collection method: clinical testing. Allele origin: germline.
Comment: This sequence change replaces proline, which is neutral and non-polar, with serine, which is neutral and polar, at codon 286 of the WNT1 protein (p.Pro286Ser). The frequency data for this variant in the population databases is considered unreliable, as metrics indicate poor data quality at this position in the gnomAD database. This variant has not been reported in the literature in individuals affected with WNT1-related conditions. Invitae Evidence Modeling of protein sequence and biophysical properties (such as structural, functional, and spatial information, amino acid conservation, physicochemical variation, residue mobility, and thermodynamic stability) indicates that this missense variant is not expected to disrupt WNT1 protein function with a negative predictive value of 80%. In summary, the available evidence is currently insufficient to determine the role of this variant in disease. Therefore, it has been classified as a Variant of Uncertain Significance.

NM_005430.4(WNT1):c.856C>T (p.Pro286Ser)

Gene: WNT1 (Wnt family member 1; plus strand). Cytogenetic location: 12q13.12.
Variant type: single nucleotide variant.
Coding change: c.856C>T on transcript NM_005430.4 (MANE Select); coding-DNA position 856, C replaced by T.
Protein change: p.Pro286Ser; replaces proline 286 with serine.
Molecular consequence: missense variant.
Genome position (GRCh38, 1-based): chr12:48,981,383, C>T. VCF-style: chr12-48981383-C-T. GRCh37 (hg19) VCF-style: chr12-49375166-C-T.
Other names: short protein forms P286S.
Identifiers: ClinVar variation 4201986 (VCV004201986.2).